The following is an entry in ClinVar:

ClinVar aggregate classification (germline): Uncertain significance (1 of 4 stars; one submission).

Conditions:
Hypertrophic cardiomyopathy 13. Also called: TNNC1-Related Familial Hypertrophic Cardiomyopathy. Identifiers: MedGen C2750472, MONDO:0013195, OMIM 613243.
Dilated cardiomyopathy 1Z (CMD1Z). Identifiers: Orphanet 154, MedGen C2678475, MONDO:0012745, OMIM 611879.

Allele frequency attached by ClinVar (database versions not stated): gnomAD exomes below 0.00001 and 0.00001.
gnomAD v4.1: 2 of 1,613,342 alleles (0.00012%); highest among the groups gnomAD compares: Non-Finnish European, 0.00017%; no homozygotes.

Submission:

Labcorp Genetics (formerly Invitae), Labcorp
Classification: Uncertain significance for Hypertrophic cardiomyopathy 13; Dilated cardiomyopathy 1Z. Last evaluated: 2026-01-10. Review status: criteria provided, single submitter. Criteria: Invitae Variant Classification Sherloc (09022015). Collection method: clinical testing. Allele origin: germline.
Comment: This sequence change falls in intron 2 of the TNNC1 gene. It does not directly change the encoded amino acid sequence of the TNNC1 protein. It affects a nucleotide within the consensus splice site. This variant is present in population databases (no rsID available, gnomAD 0.002%). This variant has not been reported in the literature in individuals affected with TNNC1-related conditions. ClinVar contains an entry for this variant (Variation ID: 649043). Variants that disrupt the consensus splice site are a relatively common cause of aberrant splicing (PMID: 17576681, 9536098). Algorithms developed to predict the effect of sequence changes on RNA splicing suggest that this variant may disrupt the consensus splice site. In summary, the available evidence is currently insufficient to determine the role of this variant in disease. Therefore, it has been classified as a Variant of Uncertain Significance.

Literature cited by the submitters: PubMed 17576681; PubMed 9536098.

NM_003280.3(TNNC1):c.55+5G>A

Gene: TNNC1 (troponin C1, slow skeletal and cardiac type; minus strand). Cytogenetic location: 3p21.1.
Variant type: single nucleotide variant.
Coding change: c.55+5G>A on transcript NM_003280.3 (MANE Select); 5 bases into the intron after coding-DNA position 55, G replaced by A.
Molecular consequence: intron variant.
Genome position (GRCh38, 1-based): chr3:52,452,478, C>T on the plus strand (G>A on the coding strand, the complement: TNNC1 is on the minus strand). VCF-style: chr3-52452478-C-T. GRCh37 (hg19) VCF-style: chr3-52486494-C-T.
Other names: c.55+5G>A (LRG_378t1).
Identifiers: ClinVar variation 649043 (VCV000649043.5), dbSNP rs1201786846, ClinGen allele CA542907381.